The following is an entry in ClinVar:

NM_006946.4(SPTBN2):c.3824G>A (p.Arg1275Gln)

Gene: SPTBN2 (spectrin beta, non-erythrocytic 2; minus strand). Cytogenetic location: 11q13.2.
Variant type: single nucleotide variant.
Coding change: c.3824G>A on transcript NM_006946.4 (MANE Select); coding-DNA position 3824, G replaced by A.
Protein change: p.Arg1275Gln; replaces arginine 1275 with glutamine.
Molecular consequence: missense variant.
Genome position (GRCh38, 1-based): chr11:66,699,035, C>T on the plus strand (G>A on the coding strand, the complement: SPTBN2 is on the minus strand). VCF-style: chr11-66699035-C-T. GRCh37 (hg19) VCF-style: chr11-66466506-C-T.
Other names: short protein forms R1275Q.
Identifiers: ClinVar variation 994463 (VCV000994463.15), dbSNP rs534938954, ClinGen allele CA6128747.

ClinVar aggregate classification (germline): Uncertain significance. Review status: criteria provided, multiple submitters, no conflicts (2 of 4 stars). 3 submissions from 3 submitters: Uncertain significance (3). Last evaluated 2026-03-04.

Allele frequency attached by ClinVar (database versions not stated): ExAC 0.00004; gnomAD 0.00004 and 0.00005; gnomAD exomes 0.00004 and 0.00006; TOPMed 0.00006.
gnomAD v4.1: 87 of 1,614,066 alleles (0.0054%); highest among the groups gnomAD compares: Non-Finnish European, 0.0071%; no homozygotes.

Submissions (3):

GeneDx
Classification: Uncertain significance. Last evaluated: 2026-03-04. Review status: criteria provided, single submitter. Criteria: GeneDx Variant Classification Process June 2021. Collection method: clinical testing. Allele origin: germline.
Comment: Reported previously as a heterozygous variant in a patient with cerebellar ataxia, tremor, dysarthria, positive Romberg sign, and atrophy on neuroimaging (PMID: 35588347); In silico analysis suggests that this missense variant does not alter protein structure/function; This variant is associated with the following publications: (PMID: 35588347)

CeGaT Center for Human Genetics Tuebingen
Classification: Uncertain significance. Last evaluated: 2024-06-01. Review status: criteria provided, single submitter. Criteria: CeGaT Center For Human Genetics Tuebingen Variant Classification Criteria Version 2. Collection method: clinical testing. Allele origin: germline. Affected: yes. Observed: 1 variant allele.
Comment: SPTBN2: PM2, BP4

Athena Diagnostics
Classification: Uncertain significance. Last evaluated: 2019-09-20. Review status: criteria provided, single submitter. Criteria: Athena Diagnostics Criteria. Collection method: clinical testing. Allele origin: unknown.